The following is an entry in ClinVar:

NM_152564.5(VPS13B):c.9184T>A (p.Leu3062Ile)

Gene: VPS13B (vacuolar protein sorting 13 homolog B; plus strand). Cytogenetic location: 8q22.2.
Variant type: single nucleotide variant.
Coding change: c.9184T>A on transcript NM_152564.5 (MANE Select); coding-DNA position 9184, T replaced by A.
Protein change: p.Leu3062Ile; replaces leucine 3062 with isoleucine.
Molecular consequence: missense variant.
Genome position (GRCh38, 1-based): chr8:99,823,832, T>A. VCF-style: chr8-99823832-T-A. GRCh37 (hg19) VCF-style: chr8-100836060-T-A.
Other names: c.9259T>A, p.Leu3087Ile (NM_017890.5); short protein forms L3062I, L3087I.
Identifiers: ClinVar variation 4977949 (VCV004977949.1).

ClinVar aggregate classification (germline): Uncertain significance (1 of 4 stars; one submission).

Conditions:
VPS13B-related disorder. Also called: VPS13B-related condition.

gnomAD v4.1: 1 of 1,613,334 alleles (0.000062%); highest among the groups gnomAD compares: South Asian, 0.0011%; no homozygotes.

Submission:

PreventionGenetics, part of Exact Sciences
Classification: Uncertain significance for VPS13B-related condition. Last evaluated: 2024-12-27. Review status: criteria provided, single submitter. Criteria: ACMG Guidelines, 2015. Collection method: clinical testing. Allele origin: germline.
Comment: The VPS13B c.9184T>A variant is predicted to result in the amino acid substitution p.Leu3062Ile. To our knowledge, this variant has not been reported in the literature or in a large population database (gnomAD), indicating this variant is rare. At this time, the clinical significance of this variant is uncertain due to the absence of conclusive functional and genetic evidence.